The following is an entry in ClinVar:

ClinVar aggregate classification (germline): Benign/Likely benign. Review status: criteria provided, multiple submitters, no conflicts (2 of 4 stars). 4 submissions from 4 submitters: Benign (2); Likely benign (2). Last evaluated 2025-12-26.

Conditions:
Basal ganglia calcification, idiopathic, 4 (PFBC4). Also called: PRIMARY FAMILIAL BRAIN CALCIFICATION 4, AUTOSOMAL DOMINANT; Familial Idiopathic Basal Ganglia Calcification 4. Identifiers: Orphanet 1980, MedGen C3554321, MONDO:0014004, OMIM 615007.
Infantile myofibromatosis (IMF). Also called: Congenital generalized fibromatosis. Identifiers: Orphanet 2591, MedGen C0432284, MONDO:0016824.
Acroosteolysis-keloid-like lesions-premature aging syndrome. Also called: Progeroid syndrome, Penttinen type; Premature aging syndrome, Penttinen type; Prematurely aged appearance, delayed bone maturation, acro-osteolysis, and brachydactyly. Identifiers: Orphanet 363665, MedGen C1866182, MONDO:0011150, OMIM 601812.
Skeletal overgrowth-craniofacial dysmorphism-hyperelastic skin-white matter lesions syndrome. Also called: SKELETAL OVERGROWTH WITH FACIAL DYSMORPHISM, HYPERELASTIC SKIN, WHITE MATTER LESIONS, AND NEUROLOGIC DETERIORATION; Kosaki overgrowth syndrome. Identifiers: Orphanet 477831, MedGen C4225270, MONDO:0014704, OMIM 616592.

Allele frequency attached by ClinVar (database versions not stated): TOPMed 0.00984; ExAC 0.00265; 1000 Genomes Project 0.01178; 1000 Genomes Project 30x 0.01187; gnomAD 0.00872 and 0.00930; ESP Exome Variant Server 0.00946.
gnomAD v4.1: 2,781 of 1,613,466 alleles (0.17%); highest among the groups gnomAD compares: African/African-American, 2.9%; 30 homozygotes.

Submissions (4):

Labcorp Genetics (formerly Invitae), Labcorp
Classification: Benign for Basal ganglia calcification, idiopathic, 4; Skeletal overgrowth-craniofacial dysmorphism-hyperelastic skin-white matter lesions syndrome; Infantile myofibromatosis; Acroosteolysis-keloid-like lesions-premature aging syndrome. Last evaluated: 2025-12-26. Review status: criteria provided, single submitter. Criteria: Invitae Variant Classification Sherloc (09022015). Collection method: clinical testing. Allele origin: germline.

Mayo Clinic Laboratories, Mayo Clinic
Classification: Benign. Last evaluated: 2025-05-06. Review status: criteria provided, single submitter. Criteria: ACMG Guidelines, 2015. Collection method: clinical testing. Allele origin: germline. Observed: 2 variant alleles.
Comment: BA1, BP4, BP7

GeneDx
Classification: Likely benign. Last evaluated: 2019-05-20. Review status: criteria provided, single submitter. Criteria: GeneDx Variant Classification Process June 2021. Collection method: clinical testing. Allele origin: germline. Affected: yes.

Breakthrough Genomics
Classification: Likely benign. Review status: criteria provided, single submitter. Criteria: ACMG Guidelines, 2015. Collection method: not provided. Allele origin: germline. Inheritance: Autosomal dominant inheritance. Affected: yes.

NM_002609.4(PDGFRB):c.1761G>A (p.Leu587=)

Gene: PDGFRB (platelet derived growth factor receptor beta; minus strand). Cytogenetic location: 5q32.
Variant type: single nucleotide variant.
Coding change: c.1761G>A on transcript NM_002609.4 (MANE Select); coding-DNA position 1761, G replaced by A.
Protein change: p.Leu587=; no amino-acid change (leucine 587 retained).
Molecular consequence: synonymous variant.
Genome position (GRCh38, 1-based): chr5:150,125,491, C>T on the plus strand (G>A on the coding strand, the complement: PDGFRB is on the minus strand). VCF-style: chr5-150125491-C-T. GRCh37 (hg19) VCF-style: chr5-149505054-C-T.
Other names: p.Leu587=; c.1569G>A, p.Leu523= (NM_001355016.2); c.1278G>A, p.Leu426= (NM_001355017.2).
Identifiers: ClinVar variation 540602 (VCV000540602.16), dbSNP rs56078873, ClinGen allele CA3507882.